The following is an entry in ClinVar:

ClinVar aggregate classification (germline): Uncertain significance. Review status: criteria provided, multiple submitters, no conflicts (2 of 4 stars). 4 submissions from 4 submitters: Uncertain significance (4). Last evaluated 2025-09-27.

Conditions:
Inborn genetic diseases. Identifiers: MedGen C0950123, MeSH D030342.
Acrocallosal syndrome (ACLS). Also called: HALLUX DUPLICATION, POSTAXIAL POLYDACTYLY, AND ABSENCE OF CORPUS CALLOSUM; Schinzel syndrome 1; Absence of corpus callosum with unusual facial appearance, mental deficiency, duplication of the halluces and polydactyly. Identifiers: Orphanet 36, MedGen C0796147, MONDO:0008708, OMIM 200990.

Allele frequency attached by ClinVar (database versions not stated): TOPMed 0.00001; gnomAD 0.00005; gnomAD exomes 0.00006; 1000 Genomes Project 30x 0.00047; ExAC 0.00052; 1000 Genomes Project 0.00060.

Submissions (4):

Ambry Genetics
Classification: Uncertain significance for Inborn genetic diseases. Last evaluated: 2025-09-27. Review status: criteria provided, single submitter. Criteria: Ambry Variant Classification Scheme 2023. Collection method: clinical testing. Allele origin: germline.

Blueprint Genetics
Classification: Uncertain significance. Last evaluated: 2024-05-08. Review status: criteria provided, single submitter. Criteria: ACMG Guidelines, 2015. Collection method: clinical testing. Allele origin: germline.

Labcorp Genetics (formerly Invitae), Labcorp
Classification: Uncertain significance for Acrocallosal syndrome. Last evaluated: 2023-04-24. Review status: criteria provided, single submitter. Criteria: Invitae Variant Classification Sherloc (09022015). Collection method: clinical testing. Allele origin: germline.
Comment: In summary, the available evidence is currently insufficient to determine the role of this variant in disease. Therefore, it has been classified as a Variant of Uncertain Significance. An algorithm developed to predict the effect of missense changes on protein structure and function (PolyPhen-2) suggests that this variant is likely to be tolerated. ClinVar contains an entry for this variant (Variation ID: 1712644). This variant has not been reported in the literature in individuals affected with KIF7-related conditions. This variant is present in population databases (rs529927988, gnomAD 0.1%). This sequence change replaces valine, which is neutral and non-polar, with alanine, which is neutral and non-polar, at codon 109 of the KIF7 protein (p.Val109Ala).

GeneDx
Classification: Uncertain significance. Last evaluated: 2022-04-25. Review status: criteria provided, single submitter. Criteria: GeneDx Variant Classification Process June 2021. Collection method: clinical testing. Allele origin: germline. Affected: yes.
Comment: In silico analysis supports that this missense variant has a deleterious effect on protein structure/function; Has not been previously published as pathogenic or benign to our knowledge

NM_198525.3(KIF7):c.326T>C (p.Val109Ala)

Gene: KIF7 (kinesin family member 7; minus strand). Cytogenetic location: 15q26.1.
Variant type: single nucleotide variant.
Coding change: c.326T>C on transcript NM_198525.3 (MANE Select); coding-DNA position 326, T replaced by C.
Protein change: p.Val109Ala; replaces valine 109 with alanine.
Molecular consequence: missense variant.
Genome position (GRCh38, 1-based): chr15:89,652,605, A>G on the plus strand (T>C on the coding strand, the complement: KIF7 is on the minus strand). VCF-style: chr15-89652605-A-G. GRCh37 (hg19) VCF-style: chr15-90195836-A-G.
Other names: short protein forms V109A.
Identifiers: ClinVar variation 1712644 (VCV001712644.7), dbSNP rs529927988, ClinGen allele CA7728660.